The following is an entry in ClinVar:

NM_000350.3(ABCA4):c.4289T>C (p.Leu1430Pro)

Gene: ABCA4 (ATP binding cassette subfamily A member 4; minus strand). Cytogenetic location: 1p22.1.
Variant type: single nucleotide variant.
Coding change: c.4289T>C on transcript NM_000350.3 (MANE Select); coding-DNA position 4289, T replaced by C.
Protein change: p.Leu1430Pro; replaces leucine 1430 with proline.
Molecular consequence: missense variant.
Genome position (GRCh38, 1-based): chr1:94,030,491, A>G on the plus strand (T>C on the coding strand, the complement: ABCA4 is on the minus strand). VCF-style: chr1-94030491-A-G. GRCh37 (hg19) VCF-style: chr1-94496047-A-G.
Other names: c.4067T>C, p.Leu1356Pro (NM_001425324.1); short protein forms L1356P, L1430P.
Identifiers: ClinVar variation 3249666 (VCV003249666.3).
Genomic context (GRCh38, chr1:94,030,491, plus strand): 5'-AGCCACCCTTCCTTCAGGCAGCGGTTGCCAAAGCCTGGCTTATTCAGGAGGACGTCTGCA[A>G]GTACCGTGAACTGCTCACTGCCTGGTTCATCCATGCTAGACAGAGTGAGACATGTGACTG-3'
Protein context (NP_000341.2, residues 1420-1440): DEPGSEQFTV[Leu1430Pro]ADVLLNKPGF

ClinVar aggregate classification (germline): Pathogenic/Likely pathogenic. Review status: criteria provided, multiple submitters, no conflicts (2 of 4 stars). 2 submissions from 2 submitters: Pathogenic (1); Likely pathogenic (1). Last evaluated 2023-03-13.

Conditions:
Retinal dystrophy. Also called: Inherited retinal dystrophy. Identifiers: Orphanet 71862, MedGen C0854723, MeSH D058499, MONDO:0019118, HP:0000556.

Submissions (2):

Centre of Medical Genetics, University Hospital Muenster
Classification: Pathogenic. Last evaluated: 2023-03-13. Review status: criteria provided, single submitter. Criteria: ACMG Guidelines, 2015. Collection method: clinical testing. Allele origin: unknown. Affected: yes. Observed: 1 variant allele, 1 homozygote.
Comment: ACMG categories: PS3,PM1,PM2,PM3,PP1,PP3,PP4,PP5

Institute of Human Genetics, Univ. Regensburg, Univ. Regensburg
Classification: Likely pathogenic for Retinal dystrophy. Last evaluated: 2023-01-01. Review status: criteria provided, single submitter. Criteria: ACMG Guidelines, 2015. Collection method: clinical testing. Allele origin: germline. Affected: yes.

Literature cited by the submitters: PubMed 10958763 (cited by Institute of Human Genetics, Univ. Regensburg, Univ. Regensburg); PubMed 3284505 (cited by Institute of Human Genetics, Univ. Regensburg, Univ. Regensburg).